The following is an entry in ClinVar:

NM_000059.4(BRCA2):c.2004dup (p.Lys669fs)

Gene: BRCA2 (BRCA2 DNA repair associated; plus strand). Cytogenetic location: 13q13.1.
Variant type: Duplication.
Coding change: c.2004dup on transcript NM_000059.4 (MANE Select); coding-DNA position 2004, one base duplicated (G; older notation c.2004dupG).
Protein change: p.Lys669fs; shifts the reading frame from lysine 669.
Molecular consequence: frameshift variant. On other transcripts: non-coding transcript variant (1), intron variant (2).
Genome position (GRCh38, 1-based): chr13:32,336,359, G duplicated; the last of 2 consecutive G bases (chr13:32,336,358-32,336,359); duplicating either gives the same sequence. VCF-style (leftmost placement, unchanged base first): chr13-32336357-A-AG. GRCh37 (hg19) VCF-style: chr13-32910494-A-AG.
Other names: c.2004dup, p.Lys669fs (NM_001406719.1, NM_001406720.1, NM_001432077.1); c.1909+2972dup (NM_001406721.1); c.424+5329dup (NM_001406722.1); short protein forms K669fs.
Identifiers: ClinVar variation 3378847 (VCV003378847.1).

ClinVar aggregate classification (germline): Pathogenic (1 of 4 stars; one submission).

Conditions:
Breast-ovarian cancer, familial, susceptibility to, 2 (BROVCA2). Also called: BRCA2 Hereditary Breast and Ovarian Cancer. Identifiers: Orphanet 145, MedGen C2675520, MONDO:0012933, OMIM 612555. Disease mechanism: loss of function.

Submission:

Myriad Genetics, Inc.
Classification: Pathogenic for Breast-ovarian cancer, familial, susceptibility to, 2. Last evaluated: 2024-08-29. Review status: criteria provided, single submitter. Criteria: Myriad Autosomal Dominant, Autosomal Recessive and X-Linked Classification Criteria (2023). Collection method: clinical testing. Allele origin: unknown.
Comment: This variant is considered pathogenic. This variant creates a frameshift predicted to result in premature protein truncation.